The following is an entry in ClinVar:

NM_006005.3(WFS1):c.*520G>A

Gene: WFS1 (wolframin ER transmembrane glycoprotein; plus strand). Cytogenetic location: 4p16.1.
Variant type: single nucleotide variant.
Coding change: c.*520G>A on transcript NM_006005.3 (MANE Select); 520 bases downstream of the stop codon, G replaced by A.
Molecular consequence: 3 prime UTR variant.
Genome position (GRCh38, 1-based): chr4:6,302,988, G>A. VCF-style: chr4-6302988-G-A. GRCh37 (hg19) VCF-style: chr4-6304715-G-A.
Other names: c.*520G>A (NM_001145853.1).
Identifiers: ClinVar variation 349351 (VCV000349351.6), dbSNP rs573433508, ClinGen allele CA10621458.
Genomic context (GRCh38, chr4:6,302,988, plus strand): 5'-CTCTTCCCCTTTCCTGGGGGATGTGCACGGCAGCTTGAGCCTGTCACGTGGTCAAGGCCC[G>A]GCCCCATCAGAGGCTGGGGGAGGCGGCACATTGGCAGTGTGTCACACTGAGCTGGGCACC-3'

ClinVar aggregate classification (germline): Conflicting classifications of pathogenicity. Review status: criteria provided, conflicting classifications (1 of 4 stars). 3 submissions from 2 submitters: Uncertain significance (2); Benign (1). Last evaluated 2018-01-13.

Conditions:
Autosomal dominant nonsyndromic hearing loss 6 (LFSNHL). Also called: DEAFNESS, AUTOSOMAL DOMINANT 6; DEAFNESS, AUTOSOMAL DOMINANT 14; DEAFNESS, AUTOSOMAL DOMINANT 38; Autosomal dominant nonsyndromic deafness 6; DIDMOAD (Diabetes Insipidus, Diabetes Mellitus, Optic Atrophy, and Deafness). Identifiers: Orphanet 90635, MedGen C1833021, MONDO:0010963, OMIM 600965.
WFS1-Related Spectrum Disorders.
Wolfram syndrome 1 (WFS1). Identifiers: Orphanet 3463, MedGen C4551693, MONDO:0009101, OMIM 222300.

Allele frequency attached by ClinVar (database versions not stated): gnomAD exomes 0.00044; gnomAD 0.00048 and 0.00051; 1000 Genomes Project 0.00020; 1000 Genomes Project 30x 0.00031; TOPMed 0.00052.
gnomAD v4.1: 83 of 171,484 alleles (0.048%); highest among the groups gnomAD compares: Admixed American, 0.12%; no homozygotes.

Submissions (3):

Illumina Laboratory Services, Illumina
Classification: Uncertain significance for Autosomal dominant nonsyndromic hearing loss 6. Last evaluated: 2018-01-13. Review status: criteria provided, single submitter. Criteria: ICSL Variant Classification Criteria 13 December 2019. Collection method: clinical testing. Allele origin: germline.

Illumina Laboratory Services, Illumina
Classification: Uncertain significance for WFS1-Related Spectrum Disorders. Last evaluated: 2018-01-13. Review status: criteria provided, single submitter. Criteria: ICSL Variant Classification Criteria 13 December 2019. Collection method: clinical testing. Allele origin: germline.

Clinical Genomics, Uppaluri K&H Personalized Medicine Clinic
Classification: Benign for Wolfram syndrome 1. Review status: criteria provided, single submitter. Criteria: K & H Uppaluri Personalized Medicine Clinic Variant Classification & Assertion Criteria_Updated V.1. Collection method: research. Allele origin: unknown. Inheritance: Autosomal recessive inheritance.
Comment: Potent mutations in WFS1 gene are associated with Wolfram's syndrome, an autosomal recessive condition, which cause diabetes mellitus, diabetes insipidus, deafness and optic atrophy.However no sufficient evidence is found to ascertain the role of this particular variant rs573433508 in Wolfram's syndrome yet.

Literature cited by the submitters: PubMed 20738327 (cited by Clinical Genomics, Uppaluri K&H Personalized Medicine Clinic); PubMed 33879153 (cited by Clinical Genomics, Uppaluri K&H Personalized Medicine Clinic); PubMed 12955714 (cited by Clinical Genomics, Uppaluri K&H Personalized Medicine Clinic); PubMed 18060660 (cited by Clinical Genomics, Uppaluri K&H Personalized Medicine Clinic); PubMed 20301750 (cited by Clinical Genomics, Uppaluri K&H Personalized Medicine Clinic); PubMed 17603484 (cited by Clinical Genomics, Uppaluri K&H Personalized Medicine Clinic).